The following is an entry in ClinVar:

ClinVar aggregate classification (germline): Conflicting classifications of pathogenicity. Review status: criteria provided, conflicting classifications (1 of 4 stars). 2 submissions from 2 submitters: Likely pathogenic (1); Uncertain significance (1). Last evaluated 2024-03-01.

Conditions:
Dilated cardiomyopathy 1G (CMD1G). Identifiers: Orphanet 154, MedGen C1858763, MONDO:0011400, OMIM 604145.
Autosomal recessive limb-girdle muscular dystrophy type 2J (LGMDR10). Also called: Limb-girdle muscular dystrophy, type 2J; MUSCULAR DYSTROPHY, LIMB-GIRDLE, AUTOSOMAL RECESSIVE 10. Identifiers: Orphanet 140922, MedGen C1837342, MONDO:0012127, OMIM 608807.
Centronuclear myopathy (CNM). Also called: Myotubular myopathy; Centronuclear myopathy, congenital. Identifiers: Orphanet 595, MedGen C0175709, MONDO:0018947. Inheritance: All.

Submissions (2):

Muscle and Diseases Team, Institut de Génétique et Biologie Moléculaire et Cellulaire
Classification: Uncertain significance for Centronuclear myopathy. Last evaluated: 2024-03-01. Review status: criteria provided, single submitter. Criteria: ACMG Guidelines, 2015. Collection method: research. Allele origin: paternal. Affected: yes. Observed: 1 variant allele.
Comment: PM2+PP3

Labcorp Genetics (formerly Invitae), Labcorp
Classification: Likely pathogenic for Dilated cardiomyopathy 1G; Autosomal recessive limb-girdle muscular dystrophy type 2J. Last evaluated: 2021-04-02. Review status: criteria provided, single submitter. Criteria: Invitae Variant Classification Sherloc (09022015). Collection method: clinical testing. Allele origin: germline.
Comment: In summary, the currently available evidence indicates that the variant is pathogenic, but additional data are needed to prove that conclusively. Therefore, this variant has been classified as Likely Pathogenic. Nucleotide substitutions within the consensus splice site are a relatively common cause of aberrant splicing (PMID: 17576681, 9536098). Algorithms developed to predict the effect of sequence changes on RNA splicing suggest that this variant may disrupt the consensus splice site, but this prediction has not been confirmed by published transcriptional studies. This variant is located in the M band of TTN (PMID: 25589632). Variants in this region may be relevant for neuromuscular disorders, but have not been definitively shown to cause cardiomyopathy (PMID: 23975875). This variant has been observed in individual(s) with autosomal recessive neuromuscular conditions (Invitae). It has also been observed to segregate with disease in related individuals. This variant is not present in population databases (ExAC no frequency). This sequence change affects codon 35458 of the TTN mRNA. It is a 'silent' change, meaning that it does not change the encoded amino acid sequence of the TTN protein. This variant also falls at the last nucleotide of exon 358, which is part of the consensus splice site for this exon.

Literature cited by the submitters: DOI 10.1186/s13073-024-01353-0 (cited by Muscle and Diseases Team, Institut de Génétique et Biologie Moléculaire et Cellulaire); PubMed 17576681 (cited by Labcorp Genetics (formerly Invitae), Labcorp); PubMed 9536098 (cited by Labcorp Genetics (formerly Invitae), Labcorp); PubMed 25589632 (cited by Labcorp Genetics (formerly Invitae), Labcorp); PubMed 23975875 (cited by Labcorp Genetics (formerly Invitae), Labcorp).

NM_001267550.2(TTN):c.106374G>A (p.Lys35458=)

Genes: TTN (titin; minus strand), TTN-AS1 (TTN antisense RNA 1; plus strand). Cytogenetic location: 2q31.2.
Variant type: single nucleotide variant.
Coding change: c.106374G>A on transcript NM_001267550.2 (MANE Select); coding-DNA position 106374, G replaced by A.
Protein change: p.Lys35458=; no amino-acid change (lysine 35458 retained).
Molecular consequence: synonymous variant.
Genome position (GRCh38, 1-based): chr2:178,530,241, C>T on the plus strand (G>A on the coding strand, the complement: TTN is on the minus strand). VCF-style: chr2-178530241-C-T. GRCh37 (hg19) VCF-style: chr2-179394968-C-T.
Other names: c.101451G>A, p.Lys33817= (NM_001256850.1); c.79179G>A, p.Lys26393= (NM_003319.4); c.98670G>A, p.Lys32890= (NM_133378.4); c.79554G>A, p.Lys26518= (NM_133432.3); c.79755G>A, p.Lys26585= (NM_133437.4).
Identifiers: ClinVar variation 1524338 (VCV001524338.10), dbSNP rs2154132585, ClinGen allele CA430234991.